The following is an entry in ClinVar:

ClinVar aggregate classification (germline): Uncertain significance. Review status: criteria provided, multiple submitters, no conflicts (2 of 4 stars). 3 submissions from 3 submitters: Uncertain significance (3). Last evaluated 2025-09-08.

Conditions:
Generalized epilepsy with febrile seizures plus, type 1 (GEFSP1). Also called: GEFS+, TYPE 1. Identifiers: Orphanet 36387, MedGen C1858672, MONDO:0011416, OMIM 604233.
Atrial fibrillation, familial, 13 (ATFB13). Identifiers: MedGen C3809311, MONDO:0014155, OMIM 615377.
Brugada syndrome 5 (BRGDA5). Identifiers: Orphanet 130, Orphanet 871, MedGen C2748541, MONDO:0013015, OMIM 612838.
Developmental and epileptic encephalopathy, 52 (DEE52). Also called: Epileptic encephalopathy, early infantile, 52. Identifiers: MedGen C4479236, MONDO:0033361, OMIM 617350.

Allele frequency attached by ClinVar (database versions not stated): gnomAD 0.00001; gnomAD exomes 0.00001 and 0.00002; ExAC 0.00002.
gnomAD v4.1: 11 of 1,609,528 alleles (0.00068%); highest among the groups gnomAD compares: Admixed American, 0.0017%; no homozygotes.

Submissions (3):

Labcorp Genetics (formerly Invitae), Labcorp
Classification: Uncertain significance for Brugada syndrome 5. Last evaluated: 2025-09-08. Review status: criteria provided, single submitter. Criteria: Invitae Variant Classification Sherloc (09022015). Collection method: clinical testing. Allele origin: germline.
Comment: This sequence change replaces arginine, which is basic and polar, with tryptophan, which is neutral and slightly polar, at codon 191 of the SCN1B protein (p.Arg191Trp). This variant is present in population databases (rs771174760, gnomAD 0.007%). This variant has not been reported in the literature in individuals affected with SCN1B-related conditions. ClinVar contains an entry for this variant (Variation ID: 406503). An algorithm developed to predict the effect of missense changes on protein structure and function outputs the following: PolyPhen-2: "Benign". The tryptophan amino acid residue is found in multiple mammalian species, which suggests that this missense change does not adversely affect protein function. In summary, the available evidence is currently insufficient to determine the role of this variant in disease. Therefore, it has been classified as a Variant of Uncertain Significance.

CeGaT Center for Human Genetics Tuebingen
Classification: Uncertain significance. Last evaluated: 2021-09-01. Review status: criteria provided, single submitter. Criteria: CeGaT Center For Human Genetics Tuebingen Variant Classification Criteria Version 2. Collection method: clinical testing. Allele origin: germline. Affected: yes. Observed: 1 variant allele.

Fulgent Genetics
Classification: Uncertain significance for Generalized epilepsy with febrile seizures plus, type 1; Brugada syndrome 5; Atrial fibrillation, familial, 13; Developmental and epileptic encephalopathy, 52. Last evaluated: 2021-08-02. Review status: criteria provided, single submitter. Criteria: ACMG Guidelines, 2015. Collection method: clinical testing. Allele origin: unknown.

NM_001037.5(SCN1B):c.448+123C>T

Gene: SCN1B (sodium voltage-gated channel beta subunit 1; plus strand). Cytogenetic location: 19q13.11.
Variant type: single nucleotide variant.
Coding change: c.448+123C>T on transcript NM_001037.5 (MANE Select); 123 bases into the intron after coding-DNA position 448, C replaced by T.
Molecular consequence: intron variant. On other transcripts: missense variant (1).
Genome position (GRCh38, 1-based): chr19:35,033,862, C>T. VCF-style: chr19-35033862-C-T. GRCh37 (hg19) VCF-style: chr19-35524766-C-T.
Other names: c.571C>T, p.Arg191Trp (NM_199037.5); c.349+123C>T (NM_001321605.2); short protein forms R191W.
Identifiers: ClinVar variation 406503 (VCV000406503.48), dbSNP rs771174760, ClinGen allele CA9372036.
Genomic context (GRCh38, chr19:35,033,862, plus strand): 5'-TGGCAGGCAGTGGACAGGACAGGCTGGCTCTGTGCCTGGCCAGCCAACCGCCCACAGCAG[C>T]GGGCTGAGGGGGAGGGGAGCAGCCCCTCCTGCCCACTCCAGCTCTGGCCTCTGTTTCTCT-3'